The following is an entry in ClinVar:

NM_031308.4(EPPK1):c.2238C>T (p.Arg746=)

Gene: EPPK1 (epiplakin 1; minus strand). Cytogenetic location: 8q24.3.
Variant type: single nucleotide variant.
Coding change: c.2238C>T on transcript NM_031308.4 (MANE Select); coding-DNA position 2238, C replaced by T.
Protein change: p.Arg746=; no amino-acid change (arginine 746 retained).
Molecular consequence: synonymous variant.
Genome position (GRCh38, 1-based): chr8:143,871,016, G>A on the plus strand (C>T on the coding strand, the complement: EPPK1 is on the minus strand). VCF-style: chr8-143871016-G-A. GRCh37 (hg19) VCF-style: chr8-144945184-G-A.
Identifiers: ClinVar variation 3054804 (VCV003054804.2), dbSNP rs559235111, ClinGen allele CA4923131.

ClinVar aggregate classification (germline): Likely benign (0 of 4 stars; one submission).

Conditions:
EPPK1-related disorder. Also called: EPPK1-related condition.

Allele frequency attached by ClinVar (database versions not stated): gnomAD exomes 0.00004; gnomAD 0.00006; TOPMed 0.00006; ExAC 0.00009; 1000 Genomes Project 0.00040; 1000 Genomes Project 30x 0.00047.
gnomAD v4.1: 77 of 1,613,240 alleles (0.0048%); highest among the groups gnomAD compares: East Asian, 0.049%; no homozygotes.

Submission:

PreventionGenetics, part of Exact Sciences
Classification: Likely benign for EPPK1-related condition. Last evaluated: 2022-01-12. Review status: no assertion criteria provided. Collection method: clinical testing. Allele origin: germline.
Comment: This variant is classified as likely benign based on ACMG/AMP sequence variant interpretation guidelines (Richards et al. 2015 PMID: 25741868, with internal and published modifications).